The following is an entry in ClinVar:

ClinVar aggregate classification (germline): Uncertain significance (1 of 4 stars; one submission).

Conditions:
GABBR2-related disorder. Also called: GABBR2-related condition; GABBR2-related disorders.

Submission:

3billion
Classification: Uncertain significance for GABBR2-related disorder. Last evaluated: 2024-12-31. Review status: criteria provided, single submitter. Criteria: ACMG Guidelines, 2015. Collection method: clinical testing. Allele origin: germline. Affected: yes.
Comment: The variant is not observed in the gnomAD v4.1.0 dataset. Predicted Consequence/Location: Missense variant. Missense changes are a common disease-causing mechanism. In silico tool predictions suggest damaging effect of the variant on gene or gene product [REVEL: 0.92 (>=0.6, sensitivity 0.68 and specificity 0.92)]. Therefore, this variant is classified as VUS according to the recommendation of ACMG/AMP guideline.

NM_005458.8(GABBR2):c.2092A>C (p.Asn698His)

Gene: GABBR2 (gamma-aminobutyric acid type B receptor subunit 2; minus strand). Cytogenetic location: 9q22.33.
Variant type: single nucleotide variant.
Coding change: c.2092A>C on transcript NM_005458.8 (MANE Select); coding-DNA position 2092, A replaced by C.
Protein change: p.Asn698His; replaces asparagine 698 with histidine.
Molecular consequence: missense variant.
Genome position (GRCh38, 1-based): chr9:98,306,258, T>G on the plus strand (A>C on the coding strand, the complement: GABBR2 is on the minus strand). VCF-style: chr9-98306258-T-G. GRCh37 (hg19) VCF-style: chr9-101068540-T-G.
Other names: short protein forms N698H.
Identifiers: ClinVar variation 4293259 (VCV004293259.1).